The following is an entry in ClinVar:

NM_001042492.3(NF1):c.956del (p.Ser319fs)

Gene: NF1 (neurofibromin 1; plus strand). Cytogenetic location: 17q11.2.
Variant type: Deletion.
Coding change: c.956del on transcript NM_001042492.3 (MANE Select); coding-DNA position 956, one base deleted (G; older notation c.956delG).
Protein change: p.Ser319fs; shifts the reading frame from serine 319.
Molecular consequence: frameshift variant.
Genome position (GRCh38, 1-based): chr17:31,200,489, G deleted. VCF-style (leftmost placement, unchanged base first): chr17-31200488-AG-A. GRCh37 (hg19) VCF-style: chr17-29527506-AG-A.
Other names: c.956delG, p.Ser319Metfs (NM_000267.4); c.956del, p.Ser319fs (NM_001128147.3); short protein forms S319fs.
Identifiers: ClinVar variation 3727133 (VCV003727133.2).

ClinVar aggregate classification (germline): Pathogenic (1 of 4 stars; one submission).

Conditions:
Neurofibromatosis, type 1 (NF1). Also called: NEUROFIBROMATOSIS, TYPE I, SOMATIC; Peripheral type neurofibromatosis; Neurofibromatosis, type I; VON RECKLINGHAUSEN DISEASE. Identifiers: Orphanet 636, MedGen C0027831, MONDO:0018975, OMIM 162200. Disease mechanism: loss of function.

Submission:

Labcorp Genetics (formerly Invitae), Labcorp
Classification: Pathogenic for Neurofibromatosis, type 1. Last evaluated: 2024-12-12. Review status: criteria provided, single submitter. Criteria: Invitae Variant Classification Sherloc (09022015). Collection method: clinical testing. Allele origin: germline.
Comment: This sequence change creates a premature translational stop signal (p.Ser319Metfs*57) in the NF1 gene. It is expected to result in an absent or disrupted protein product. Loss-of-function variants in NF1 are known to be pathogenic (PMID: 10712197, 23913538). This variant is not present in population databases (gnomAD no frequency). This variant has not been reported in the literature in individuals affected with NF1-related conditions. Algorithms developed to predict the effect of sequence changes on RNA splicing suggest that this variant may disrupt the consensus splice site. For these reasons, this variant has been classified as Pathogenic.

Literature cited by the submitters: PubMed 10712197; PubMed 23913538.